The following is an entry in ClinVar:

ClinVar aggregate classification (germline): Pathogenic (1 of 4 stars; one submission).

Conditions:
Ataxia-telangiectasia syndrome (AT). Also called: Ataxia-telangiectasia, complementation group D; AT, COMPLEMENTATION GROUP C; ATAXIA-TELANGIECTASIA, COMPLEMENTATION GROUP A; ATAXIA-TELANGIECTASIA, FRESNO VARIANT; Ataxia-telangiectasia; Ataxia-telangiectasia, complementation group E. Identifiers: Orphanet 100, MedGen C0004135, MONDO:0008840, OMIM 208900.

Submission:

Labcorp Genetics (formerly Invitae), Labcorp
Classification: Pathogenic for Ataxia-telangiectasia syndrome. Last evaluated: 2024-12-22. Review status: criteria provided, single submitter. Criteria: Invitae Variant Classification Sherloc (09022015). Collection method: clinical testing. Allele origin: germline.
Comment: This sequence change creates a premature translational stop signal (p.Gln2733*) in the ATM gene. It is expected to result in an absent or disrupted protein product. Loss-of-function variants in ATM are known to be pathogenic (PMID: 23807571, 25614872). This variant is not present in population databases (gnomAD no frequency). This variant has not been reported in the literature in individuals affected with ATM-related conditions. RNA analysis performed to evaluate the impact of this premature translational stop signal on mRNA splicing indicates it does not significantly alter splicing (internal data). For these reasons, this variant has been classified as Pathogenic.

Literature cited by the submitters: PubMed 23807571; PubMed 25614872.

NM_000051.4(ATM):c.8197C>T (p.Gln2733Ter)

Genes: ATM (ATM serine/threonine kinase; plus strand), C11orf65 (chromosome 11 open reading frame 65; minus strand). Cytogenetic location: 11q22.3.
Variant type: single nucleotide variant.
Coding change: c.8197C>T on transcript NM_000051.4 (MANE Select); coding-DNA position 8197, C replaced by T.
Protein change: p.Gln2733Ter; replaces glutamine 2733 with a stop codon.
Molecular consequence: nonsense. On other transcripts: intron variant (2).
Genome position (GRCh38, 1-based): chr11:108,335,890, C>T. VCF-style: chr11-108335890-C-T. GRCh37 (hg19) VCF-style: chr11-108206617-C-T.
Other names: c.8197C>T, p.Gln2733Ter (NM_001351834.2); c.641-26819G>A (NM_001330368.2); c.695-598G>A (NM_001351110.2); short protein forms Q2733*.
Identifiers: ClinVar variation 3727723 (VCV003727723.2).
Genomic context (GRCh38, chr11:108,335,890, plus strand): 5'-TTAATTATTCTGAAGGGCCGTGATGACCTGAGACAAGATGCTGTCATGCAACAGGTCTTC[C>T]AGATGTGTAATACATTACTGCAGAGAAACACGGAAACTAGGAAGAGGAAATTAACTATCT-3'